The following is an entry in ClinVar:

NM_001267550.2(TTN):c.66981T>G (p.Tyr22327Ter)

Genes: TTN (titin; minus strand), TTN-AS1 (TTN antisense RNA 1; plus strand). Cytogenetic location: 2q31.2.
Variant type: single nucleotide variant.
Coding change: c.66981T>G on transcript NM_001267550.2 (MANE Select); coding-DNA position 66981, T replaced by G.
Protein change: p.Tyr22327Ter; replaces tyrosine 22327 with a stop codon.
Molecular consequence: nonsense.
Genome position (GRCh38, 1-based): chr2:178,580,398, A>C on the plus strand (T>G on the coding strand, the complement: TTN is on the minus strand). VCF-style: chr2-178580398-A-C. GRCh37 (hg19) VCF-style: chr2-179445125-A-C.
Other names: c.62058T>G, p.Tyr20686Ter (NM_001256850.1); c.39786T>G, p.Tyr13262Ter (NM_003319.4); c.59277T>G, p.Tyr19759Ter (NM_133378.4); c.40161T>G, p.Tyr13387Ter (NM_133432.3); c.40362T>G, p.Tyr13454Ter (NM_133437.4); short protein forms Y19759*, Y20686*, Y13262*, Y13387*, Y22327*, Y13454*.
Identifiers: ClinVar variation 1495215 (VCV001495215.6), dbSNP rs2047426908, ClinGen allele CA349425084.

ClinVar aggregate classification (germline): Likely pathogenic (1 of 4 stars; one submission).

Conditions:
Dilated cardiomyopathy 1G (CMD1G). Identifiers: Orphanet 154, MedGen C1858763, MONDO:0011400, OMIM 604145.
Autosomal recessive limb-girdle muscular dystrophy type 2J (LGMDR10). Also called: Limb-girdle muscular dystrophy, type 2J; MUSCULAR DYSTROPHY, LIMB-GIRDLE, AUTOSOMAL RECESSIVE 10. Identifiers: Orphanet 140922, MedGen C1837342, MONDO:0012127, OMIM 608807.

Submission:

Labcorp Genetics (formerly Invitae), Labcorp
Classification: Likely pathogenic for Dilated cardiomyopathy 1G; Autosomal recessive limb-girdle muscular dystrophy type 2J. Last evaluated: 2021-12-17. Review status: criteria provided, single submitter. Criteria: Invitae Variant Classification Sherloc (09022015). Collection method: clinical testing. Allele origin: germline.
Comment: In summary, the currently available evidence indicates that the variant is pathogenic, but additional data are needed to prove that conclusively. Therefore, this variant has been classified as Likely Pathogenic. This variant is located in the A band of TTN (PMID: 25589632). Truncating variants in this region are significantly overrepresented in patients affected with dilated cardiomyopathy (PMID: 25589632). Truncating variants in this region have also been reported in individuals affected with autosomal recessive centronuclear myopathy (PMID: 23975875). Algorithms developed to predict the effect of sequence changes on RNA splicing suggest that this variant may create or strengthen a splice site. This variant has not been reported in the literature in individuals affected with TTN-related conditions. This variant is not present in population databases (gnomAD no frequency). This sequence change creates a premature translational stop signal (p.Tyr22327*) in the TTN gene. While this is not anticipated to result in nonsense mediated decay, it is expected to create a truncated TTN protein.

Literature cited by the submitters: PubMed 25589632; PubMed 23975875.